The following is an entry in ClinVar:

NM_003238.6(TGFB2):c.782G>A (p.Ser261Asn)

Gene: TGFB2 (transforming growth factor beta 2; plus strand). Cytogenetic location: 1q41.
Variant type: single nucleotide variant.
Coding change: c.782G>A on transcript NM_003238.6 (MANE Select); coding-DNA position 782, G replaced by A.
Protein change: p.Ser261Asn; replaces serine 261 with asparagine.
Molecular consequence: missense variant.
Genome position (GRCh38, 1-based): chr1:218,435,997, G>A. VCF-style: chr1-218435997-G-A. GRCh37 (hg19) VCF-style: chr1-218609339-G-A.
Other names: c.782G>A (NM_003238.3, NM_003238.4); c.866G>A, p.Ser289Asn (NM_001135599.4); short protein forms S261N, S289N.
Identifiers: ClinVar variation 2148696 (VCV002148696.7), dbSNP rs191509998, ClinGen allele CA1398610.

ClinVar aggregate classification (germline): Uncertain significance. Review status: criteria provided, multiple submitters, no conflicts (2 of 4 stars). 3 submissions from 3 submitters: Uncertain significance (2). 1 of the submissions does not count toward it. Last evaluated 2025-05-14.

Conditions:
Familial thoracic aortic aneurysm and aortic dissection (TAAD). Also called: Thoracic aortic aneurysms and dissections. Identifiers: Orphanet 91387, MedGen C4707243, MONDO:0019625.
TGFB2-related disorder. Also called: TGFB2-related condition.
Loeys-Dietz syndrome 4 (LDS4). Also called: ANEURYSM, AORTIC AND CEREBRAL, WITH ARTERIAL TORTUOSITY AND SKELETAL MANIFESTATIONS; TGFB2-Related Loeys-Dietz Syndrome. Identifiers: MedGen C3553762, MONDO:0013897, OMIM 614816.

Allele frequency attached by ClinVar (database versions not stated): gnomAD 0.00001; gnomAD exomes 0.00001; TOPMed 0.00001; ExAC 0.00002.
gnomAD v4.1: 7 of 1,613,664 alleles (0.00043%); highest among the groups gnomAD compares: Admixed American, 0.012%; no homozygotes.

Submissions (3):

Ambry Genetics
Classification: Uncertain significance for Familial thoracic aortic aneurysm and aortic dissection. Last evaluated: 2025-05-14. Review status: criteria provided, single submitter. Criteria: Ambry Variant Classification Scheme 2023. Collection method: clinical testing. Allele origin: germline.

Labcorp Genetics (formerly Invitae), Labcorp
Classification: Uncertain significance for Loeys-Dietz syndrome 4. Last evaluated: 2025-02-17. Review status: criteria provided, single submitter. Criteria: Invitae Variant Classification Sherloc (09022015). Collection method: clinical testing. Allele origin: germline.
Comment: This sequence change replaces serine, which is neutral and polar, with asparagine, which is neutral and polar, at codon 261 of the TGFB2 protein (p.Ser261Asn). This variant is present in population databases (rs191509998, gnomAD 0.02%). This variant has not been reported in the literature in individuals affected with TGFB2-related conditions. ClinVar contains an entry for this variant (Variation ID: 2148696). Invitae Evidence Modeling of protein sequence and biophysical properties (such as structural, functional, and spatial information, amino acid conservation, physicochemical variation, residue mobility, and thermodynamic stability) indicates that this missense variant is not expected to disrupt TGFB2 protein function with a negative predictive value of 95%. In summary, the available evidence is currently insufficient to determine the role of this variant in disease. Therefore, it has been classified as a Variant of Uncertain Significance.

PreventionGenetics, part of Exact Sciences
Classification: Uncertain significance for TGFB2-related condition. Last evaluated: 2024-06-06. Review status: no assertion criteria provided. Collection method: clinical testing. Allele origin: germline. Not counted in ClinVar's aggregate classification.
Comment: The TGFB2 c.782G>A variant is predicted to result in the amino acid substitution p.Ser261Asn. To our knowledge, this variant has not been reported in the literature. This variant is reported in 0.017% of alleles in individuals of Latino descent in gnomAD. Although we suspect that this variant may be benign, at this time, the clinical significance of this variant is uncertain due to the absence of conclusive functional and genetic evidence.